The following is an entry in ClinVar:

NM_201384.3(PLEC):c.6763A>G (p.Ile2255Val)

Gene: PLEC (plectin; minus strand). Cytogenetic location: 8q24.3.
Variant type: single nucleotide variant.
Coding change: c.6763A>G on transcript NM_201384.3 (MANE Select); coding-DNA position 6763, A replaced by G.
Protein change: p.Ile2255Val; replaces isoleucine 2255 with valine.
Molecular consequence: missense variant. On other transcripts: intron variant (1).
Genome position (GRCh38, 1-based): chr8:143,923,166, T>C on the plus strand (A>G on the coding strand, the complement: PLEC is on the minus strand). VCF-style: chr8-143923166-T-C. GRCh37 (hg19) VCF-style: chr8-144997334-T-C.
Other names: p.Ile2282Val; c.6844A>G, p.Ile2282Val (NM_000445.5); c.6721A>G, p.Ile2241Val (NM_201378.4); c.6697A>G, p.Ile2233Val (NM_201379.3); c.7174A>G, p.Ile2392Val (NM_201380.4); c.6667A>G, p.Ile2223Val (NM_201381.3); c.6763A>G, p.Ile2255Val (NM_201382.4); c.6775A>G, p.Ile2259Val (NM_201383.3); and 1 more; short protein forms I2282V, I2259V, I2255V, I2392V, I2223V, I2233V, I2241V.
Identifiers: ClinVar variation 2534456 (VCV002534456.3), dbSNP rs1454445957, ClinGen allele CA372532669.
Genomic context (GRCh38, chr8:143,923,166, plus strand): 5'-GCTTCATCTTCTCAGCCTCCTCCTGCAGGAAGCGCTGCGTATTGTCCTTGTCACGCAAGA[T>C]GAGTGCGCGGTTCTCAGCCTCGATGCGTGCCTTGAGCTTGCTCAGCTCCTCCATCTGCAC-3'
Protein context (NP_958786.1, residues 2245-2265): ARIEAENRAL[Ile2255Val]LRDKDNTQRF

ClinVar aggregate classification (germline): Uncertain significance. Review status: criteria provided, multiple submitters, no conflicts (2 of 4 stars). 2 submissions from 2 submitters: Uncertain significance (2). Last evaluated 2025-10-18.

Conditions:
Inborn genetic diseases. Identifiers: MedGen C0950123, MeSH D030342.

Submissions (2):

Mayo Clinic Laboratories, Mayo Clinic
Classification: Uncertain significance. Last evaluated: 2025-10-18. Review status: criteria provided, single submitter. Criteria: ACMG Guidelines, 2015. Collection method: clinical testing. Allele origin: germline. Observed: 1 variant allele.
Comment: BP4_moderate

Ambry Genetics
Classification: Uncertain significance for Inborn genetic diseases. Last evaluated: 2023-04-07. Review status: criteria provided, single submitter. Criteria: Ambry Variant Classification Scheme 2023. Collection method: clinical testing. Allele origin: germline.